The following is an entry in ClinVar:

NM_000045.4(ARG1):c.150T>A (p.Tyr50Ter)

Genes: ARG1 (arginase 1; plus strand), MED23 (mediator complex subunit 23; minus strand). Cytogenetic location: 6q23.2.
Variant type: single nucleotide variant.
Coding change: c.150T>A on transcript NM_000045.4 (MANE Select); coding-DNA position 150, T replaced by A.
Protein change: p.Tyr50Ter; replaces tyrosine 50 with a stop codon.
Molecular consequence: nonsense. On other transcripts: non-coding transcript variant (1), intron variant (2).
Genome position (GRCh38, 1-based): chr6:131,579,130, T>A. VCF-style: chr6-131579130-T-A. GRCh37 (hg19) VCF-style: chr6-131900270-T-A.
Other names: c.174T>A, p.Tyr58Ter (NM_001244438.2); c.150T>A, p.Tyr50Ter (NM_001369020.1); c.4078-4835A>T (NM_001270521.2); c.4096-4835A>T (NM_015979.4); short protein forms Y50*, Y58*.
Identifiers: ClinVar variation 5013030 (VCV005013030.1).

ClinVar aggregate classification (germline): Pathogenic (1 of 4 stars; one submission).

Conditions:
Arginase deficiency. Also called: ARGININEMIA; ARG1 DEFICIENCY; Arginase 1 Deficiency. Identifiers: Orphanet 90, MedGen C0268548, MONDO:0008814, OMIM 207800.

gnomAD v4.1: 1 of 1,614,170 alleles (0.000062%); highest among the groups gnomAD compares: Non-Finnish European, 0.000085%; no homozygotes.

Submission:

Myriad Genetics, Inc.
Classification: Pathogenic for Arginase deficiency. Last evaluated: 2026-02-26. Review status: criteria provided, single submitter. Criteria: Myriad Autosomal Dominant, Autosomal Recessive and X-Linked Classification Criteria (2023). Collection method: clinical testing. Allele origin: unknown.
Comment: NM_000045.3(ARG1):c.150T>A(Y50*) is expected to be pathogenic in the context of argininemia. This variant is predicted to lead to an abnormal or absent protein product due to the creation of a premature termination codon in ARG1, a gene where loss-of-function variants are known to be pathogenic. Please note: this variant was assessed in the context of healthy population screening.